The following is an entry in ClinVar:

ClinVar aggregate classification (germline): Uncertain significance. Review status: criteria provided, multiple submitters, no conflicts (2 of 4 stars). 3 submissions from 3 submitters: Uncertain significance (3). Last evaluated 2025-06-17.

Conditions:
Inborn genetic diseases. Identifiers: MedGen C0950123, MeSH D030342.

Allele frequency attached by ClinVar (database versions not stated): gnomAD 0.00002; TOPMed 0.00002.
gnomAD v4.1: 109 of 1,611,300 alleles (0.0068%); highest among the groups gnomAD compares: Non-Finnish European, 0.0087%; no homozygotes.

Submissions (3):

Ambry Genetics
Classification: Uncertain significance for Inborn genetic diseases. Last evaluated: 2025-06-17. Review status: criteria provided, single submitter. Criteria: Ambry Variant Classification Scheme 2023. Collection method: clinical testing. Allele origin: germline.

GeneDx
Classification: Uncertain significance. Last evaluated: 2023-07-05. Review status: criteria provided, single submitter. Criteria: GeneDx Variant Classification Process June 2021. Collection method: clinical testing. Allele origin: germline. Affected: yes.
Comment: In silico analysis supports that this missense variant does not alter protein structure/function; Has not been previously published as pathogenic or benign to our knowledge

Athena Diagnostics
Classification: Uncertain significance. Last evaluated: 2019-05-17. Review status: criteria provided, single submitter. Criteria: Athena Diagnostics Criteria. Collection method: clinical testing. Allele origin: germline.

NM_001039213.4(CEACAM16):c.707C>A (p.Thr236Lys)

Genes: CEACAM16 (CEA cell adhesion molecule 16, tectorial membrane component; plus strand), CEACAM16-AS1 (CEACAM16, CEACAM19 and PVR antisense RNA 1; minus strand). Cytogenetic location: 19q13.32.
Variant type: single nucleotide variant.
Coding change: c.707C>A on transcript NM_001039213.4 (MANE Select); coding-DNA position 707, C replaced by A.
Protein change: p.Thr236Lys; replaces threonine 236 with lysine.
Molecular consequence: missense variant.
Genome position (GRCh38, 1-based): chr19:44,705,635, C>A. VCF-style: chr19-44705635-C-A. GRCh37 (hg19) VCF-style: chr19-45208905-C-A.
Other names: c.707C>A (NM_001039213.2); short protein forms T236K.
Identifiers: ClinVar variation 804655 (VCV000804655.3), dbSNP rs780505743, ClinGen allele CA9503133.